The following is an entry in ClinVar:

NM_006306.4(SMC1A):c.1904G>A (p.Arg635His)

Gene: SMC1A (structural maintenance of chromosomes 1A; minus strand). Cytogenetic location: Xp11.22.
Variant type: single nucleotide variant.
Coding change: c.1904G>A on transcript NM_006306.4 (MANE Select); coding-DNA position 1904, G replaced by A.
Protein change: p.Arg635His; replaces arginine 635 with histidine.
Molecular consequence: missense variant.
Genome position (GRCh38, 1-based): chrX:53,405,500, C>T on the plus strand (G>A on the coding strand, the complement: SMC1A is on the minus strand). VCF-style: chrX-53405500-C-T. GRCh37 (hg19) VCF-style: chrX-53432432-C-T.
Other names: c.1838G>A, p.Arg613His (NM_001281463.1); short protein forms R613H, R635H.
Identifiers: ClinVar variation 1678779 (VCV001678779.9), dbSNP rs2146599709, ClinGen allele CA413252690.

ClinVar aggregate classification (germline): Conflicting classifications of pathogenicity. Review status: criteria provided, conflicting classifications (1 of 4 stars). 2 submissions from 2 submitters: Likely pathogenic (1); Uncertain significance (1). Last evaluated 2025-08-14.

Conditions:
Congenital muscular hypertrophy-cerebral syndrome (CDLS2). Also called: Cornelia de Lange syndrome 2; SMC1A-Related Cornelia de Lange Syndrome. Identifiers: Orphanet 199, MedGen C1802395, MONDO:0010370, OMIM 300590.

Submissions (2):

GeneDx
Classification: Likely pathogenic. Last evaluated: 2025-08-14. Review status: criteria provided, single submitter. Criteria: GeneDx Variant Classification Process June 2021. Collection method: clinical testing. Allele origin: germline. Affected: yes.
Comment: Observed in hemizygous and heterozygous state in individuals from a cohort with SMC1A variants; detailed clinical information was not provided (PMID: 28548707); Not observed at significant frequency in large population cohorts (gnomAD); In silico analysis supports that this missense variant has a deleterious effect on protein structure/function; Missense variants in this gene are a common cause of disease and they are underrepresented in the general population; This variant is associated with the following publications: (PMID: 28548707)

Labcorp Genetics (formerly Invitae), Labcorp
Classification: Uncertain significance for Congenital muscular hypertrophy-cerebral syndrome. Last evaluated: 2023-12-11. Review status: criteria provided, single submitter. Criteria: Invitae Variant Classification Sherloc (09022015). Collection method: clinical testing. Allele origin: germline.
Comment: This sequence change replaces arginine, which is basic and polar, with histidine, which is basic and polar, at codon 635 of the SMC1A protein (p.Arg635His). This variant is not present in population databases (gnomAD no frequency). This missense change has been observed in individual(s) with SMC1A-related conditions (PMID: 28548707). ClinVar contains an entry for this variant (Variation ID: 1678779). Advanced modeling of protein sequence and biophysical properties (such as structural, functional, and spatial information, amino acid conservation, physicochemical variation, residue mobility, and thermodynamic stability) performed at Invitae indicates that this missense variant is expected to disrupt SMC1A protein function with a positive predictive value of 80%. In summary, the available evidence is currently insufficient to determine the role of this variant in disease. Therefore, it has been classified as a Variant of Uncertain Significance.

Literature cited by the submitters: PubMed 28548707 (cited by Labcorp Genetics (formerly Invitae), Labcorp).